The following is an entry in ClinVar:

ClinVar aggregate classification (germline): Uncertain significance. Review status: criteria provided, multiple submitters, no conflicts (2 of 4 stars). 2 submissions from 2 submitters: Uncertain significance (2). Last evaluated 2025-11-06.

Allele frequency attached by ClinVar (database versions not stated): ExAC 0.00002; TOPMed 0.00004; gnomAD 0.00005; gnomAD exomes 0.00006; ESP Exome Variant Server 0.00008.
gnomAD v4.1: 93 of 1,614,008 alleles (0.0058%); highest among the groups gnomAD compares: Non-Finnish European, 0.0071%; no homozygotes.

Submissions (2):

Ambry Genetics
Classification: Uncertain significance. Last evaluated: 2025-11-06. Review status: criteria provided, single submitter. Criteria: Ambry Variant Classification Scheme 2023. Collection method: clinical testing. Allele origin: germline.

Labcorp Genetics (formerly Invitae), Labcorp
Classification: Uncertain significance. Last evaluated: 2024-11-21. Review status: criteria provided, single submitter. Criteria: Invitae Variant Classification Sherloc (09022015). Collection method: clinical testing. Allele origin: germline.
Comment: This sequence change replaces methionine, which is neutral and non-polar, with valine, which is neutral and non-polar, at codon 556 of the SORL1 protein (p.Met556Val). This variant is present in population databases (rs373147483, gnomAD 0.02%). This variant has not been reported in the literature in individuals affected with SORL1-related conditions. ClinVar contains an entry for this variant (Variation ID: 2175926). An algorithm developed to predict the effect of missense changes on protein structure and function (PolyPhen-2) suggests that this variant is likely to be tolerated. In summary, the available evidence is currently insufficient to determine the role of this variant in disease. Therefore, it has been classified as a Variant of Uncertain Significance.

NM_003105.6(SORL1):c.1666A>G (p.Met556Val)

Gene: SORL1 (sortilin related receptor 1; plus strand). Cytogenetic location: 11q24.1.
Variant type: single nucleotide variant.
Coding change: c.1666A>G on transcript NM_003105.6 (MANE Select); coding-DNA position 1666, A replaced by G.
Protein change: p.Met556Val; replaces methionine 556 with valine.
Molecular consequence: missense variant.
Genome position (GRCh38, 1-based): chr11:121,532,533, A>G. VCF-style: chr11-121532533-A-G. GRCh37 (hg19) VCF-style: chr11-121403242-A-G.
Other names: c.1666A>G (NM_003105.5); short protein forms M556V.
Identifiers: ClinVar variation 2175926 (VCV002175926.6), dbSNP rs373147483, ClinGen allele CA6328701.